The following is an entry in ClinVar:

ClinVar aggregate classification (germline): Pathogenic (1 of 4 stars; one submission).

Submission:

Labcorp Genetics (formerly Invitae), Labcorp
Classification: Pathogenic. Last evaluated: 2023-04-09. Review status: criteria provided, single submitter. Criteria: Invitae Variant Classification Sherloc (09022015). Collection method: clinical testing. Allele origin: germline.
Comment: This sequence change creates a premature translational stop signal (p.Thr14Argfs*12) in the ORC4 gene. It is expected to result in an absent or disrupted protein product. Loss-of-function variants in ORC4 are known to be pathogenic (PMID: 21358631, 21358632, 22333897). This variant is not present in population databases (gnomAD no frequency). This variant has not been reported in the literature in individuals affected with ORC4-related conditions. For these reasons, this variant has been classified as Pathogenic.

Literature cited by the submitters: PubMed 21358631; PubMed 21358632; PubMed 22333897.

NM_181741.4(ORC4):c.41_42del (p.Thr14fs)

Gene: ORC4 (origin recognition complex subunit 4; minus strand). Cytogenetic location: 2q23.1.
Variant type: Microsatellite.
Coding change: c.41_42del on transcript NM_181741.4 (MANE Select); coding-DNA positions 41 to 42, 2 bases deleted (CA; older notation c.41_42delCA).
Protein change: p.Thr14fs; shifts the reading frame from threonine 14.
Molecular consequence: frameshift variant. On other transcripts: 5 prime UTR variant (1), intron variant (2).
Genome position (GRCh38, 1-based): chr2:147,975,917-147,975,918, TG deleted on the plus strand (CA on the coding strand, the reverse complement: ORC4 is on the minus strand); deleting any 2 consecutive bases within chr2:147,975,917-147,975,922 gives the same sequence; the c. name uses the placement nearest the transcript's 3' end. VCF-style (leftmost placement, unchanged base first): chr2-147975916-CTG-C. GRCh37 (hg19) VCF-style: chr2-148733485-CTG-C.
Other names: c.41_42del, p.Thr14fs (NM_001190879.3, NM_001374270.1, NM_002552.5); c.-281CA[2] (NM_001374272.1); c.37_38CA[2], p.Thr14Argfs (NM_181742.5); c.-27-17056CA[2] (NM_001190881.3); c.-165-2398CA[2] (NM_001190882.3); short protein forms T14fs.
Identifiers: ClinVar variation 2854351 (VCV002854351.3), dbSNP rs2468008617, ClinGen allele CA2661390904.